The following is an entry in ClinVar:

NM_000545.8(HNF1A):c.155G>C (p.Gly52Ala)

Gene: HNF1A (HNF1 homeobox A; plus strand). Cytogenetic location: 12q24.31.
Variant type: single nucleotide variant.
Coding change: c.155G>C on transcript NM_000545.8 (MANE Select); coding-DNA position 155, G replaced by C.
Protein change: p.Gly52Ala; replaces glycine 52 with alanine.
Molecular consequence: missense variant.
Genome position (GRCh38, 1-based): chr12:120,978,923, G>C. VCF-style: chr12-120978923-G-C. GRCh37 (hg19) VCF-style: chr12-121416726-G-C.
Other names: c.155G>C, p.Gly52Ala (NM_001306179.2); short protein forms G52A.
Identifiers: ClinVar variation 737626 (VCV000737626.5), dbSNP rs142318174, ClinGen allele CA6831677.
Genomic context (GRCh38, chr12:120,978,923, plus strand): 5'-AGCCGGGGCCCTACCTCCTGGCTGGAGAAGGCCCCCTGGACAAGGGGGAGTCCTGCGGCG[G>C]CGGTCGAGGGGAGCTGGCTGAGCTGCCCAATGGGCTGGGGGAGACTCGGGGCTCCGAGGA-3'
Protein context (NP_000536.6, residues 42-62): GPLDKGESCG[Gly52Ala]GRGELAELPN

ClinVar aggregate classification (germline): Benign/Likely benign. Review status: criteria provided, multiple submitters, no conflicts (2 of 4 stars). 2 submissions from 2 submitters: Benign (1); Likely benign (1). Last evaluated 2019-12-31.

Conditions:
Maturity-onset diabetes of the young (MODY). Also called: Maturity onset diabetes mellitus in young. Identifiers: Orphanet 552, MedGen C0342276, MONDO:0018911, HP:0004904.

Allele frequency attached by ClinVar (database versions not stated): gnomAD exomes 0.00020; ExAC 0.00029; gnomAD 0.00083 and 0.00074; TOPMed 0.00078.
gnomAD v4.1: 204 of 1,611,098 alleles (0.013%); highest among the groups gnomAD compares: African/African-American, 0.24%; no homozygotes.

Submissions (2):

Labcorp Genetics (formerly Invitae), Labcorp
Classification: Likely benign. Last evaluated: 2019-12-31. Review status: criteria provided, single submitter. Criteria: Invitae Variant Classification Sherloc (09022015). Collection method: clinical testing. Allele origin: germline.

Clinical Genomics, Uppaluri K&H Personalized Medicine Clinic
Classification: Benign for Maturity-onset diabetes of the young. Review status: criteria provided, single submitter. Criteria: K & H Uppaluri Personalized Medicine Clinic Variant Classification & Assertion Criteria_Updated V.1. Collection method: research. Allele origin: unknown. Inheritance: Autosomal dominant inheritance.
Comment: Mutations in HNF1A gene can predispose to MODY3. It is associated with both micro and macrovascular complications of diabetes, especially cardiovascular complications. Associated with glucosuria. May respond well to sulfonylureas. Sufficient evidence is found to confer the association of this particular variant rs142318174 with MODY3.

Literature cited by the submitters: PubMed 33363396 (cited by Clinical Genomics, Uppaluri K&H Personalized Medicine Clinic).